The following is an entry in ClinVar:

NM_174905.4(TSLIG3C):c.479C>T (p.Thr160Ile)

Gene: TSLIG3C (tRNA splicing ligase complex subunit 3C; plus strand). Cytogenetic location: 19q13.2.
Variant type: single nucleotide variant.
Coding change: c.479C>T on transcript NM_174905.4 (MANE Select); coding-DNA position 479, C replaced by T.
Protein change: p.Thr160Ile; replaces threonine 160 with isoleucine.
Molecular consequence: missense variant.
Genome position (GRCh38, 1-based): chr19:38,405,037, C>T. VCF-style: chr19-38405037-C-T. GRCh37 (hg19) VCF-style: chr19-38895677-C-T.
Other names: c.479C>T, p.Thr160Ile (NM_001351675.1); short protein forms T160I.
Identifiers: ClinVar variation 3033202 (VCV003033202.2), dbSNP rs74987063, ClinGen allele CA9414893.

ClinVar aggregate classification (germline): Benign (0 of 4 stars; one submission).

Conditions:
FAM98C-related disorder. Also called: FAM98C-related condition.

Allele frequency attached by ClinVar (database versions not stated): ESP Exome Variant Server 0.01136; 1000 Genomes Project 30x 0.01249; ExAC 0.00329; gnomAD 0.01066; 1000 Genomes Project 0.01098; TOPMed 0.01132.

Submission:

PreventionGenetics, part of Exact Sciences
Classification: Benign for FAM98C-related condition. Last evaluated: 2019-02-21. Review status: no assertion criteria provided. Collection method: clinical testing. Allele origin: germline.
Comment: This variant is classified as benign based on ACMG/AMP sequence variant interpretation guidelines (Richards et al. 2015 PMID: 25741868, with internal and published modifications).